The following is an entry in ClinVar:

ClinVar aggregate classification (germline): Uncertain significance (1 of 4 stars; one submission).

Submission:

Ambry Genetics
Classification: Uncertain significance. Last evaluated: 2024-06-10. Review status: criteria provided, single submitter. Criteria: Ambry Variant Classification Scheme 2023. Collection method: clinical testing. Allele origin: germline.
Comment: The p.L374V variant (also known as c.1120T>G), located in coding exon 3 of the PALLD gene, results from a T to G substitution at nucleotide position 1120. The leucine at codon 374 is replaced by valine, an amino acid with highly similar properties. This amino acid position is conserved. In addition, this alteration is predicted to be tolerated by in silico analysis. Based on the available evidence, the clinical significance of this variant remains unclear.

NM_001166108.2(PALLD):c.1120T>G (p.Leu374Val)

Gene: PALLD (palladin, cytoskeletal associated protein; plus strand). Cytogenetic location: 4q32.3.
Variant type: single nucleotide variant.
Coding change: c.1120T>G on transcript NM_001166108.2 (MANE Select); coding-DNA position 1120, T replaced by G.
Protein change: p.Leu374Val; replaces leucine 374 with valine.
Molecular consequence: missense variant. On other transcripts: 5 prime UTR variant (1).
Genome position (GRCh38, 1-based): chr4:168,681,364, T>G. VCF-style: chr4-168681364-T-G. GRCh37 (hg19) VCF-style: chr4-169602515-T-G.
Other names: c.-27T>G (NM_001166109.2); c.1120T>G, p.Leu374Val (NM_016081.4); short protein forms L374V.
Identifiers: ClinVar variation 3304032 (VCV003304032.1).
Genomic context (GRCh38, chr4:168,681,364, plus strand): 5'-TTTACCATTATCTTTAATACTTTCCCAGGTGCCAGTTCAACAGATTCTGACAGTGAAAGT[T>G]TAGCTTTCAAATCAAGAGCTGGAGCTATGCCACAGTAAGTGCCTACAATTCCATCGATTA-3'
Protein context (NP_001159580.1, residues 364-384): ASSTDSDSES[Leu374Val]AFKSRAGAMP